The following is an entry in ClinVar:

ClinVar aggregate classification (germline): Pathogenic (1 of 4 stars; one submission).

Conditions:
Fanconi anemia complementation group J. Also called: BRIP1-Related Fanconi Anemia. Identifiers: Orphanet 84, MedGen C1836860, MONDO:0012187, OMIM 609054.
Familial cancer of breast. Also called: hereditary breast carcinoma; BREAST CANCER, FAMILIAL; Hereditary breast cancer. Identifiers: Orphanet 227535, MedGen C0346153, MONDO:0016419, OMIM 114480. Disease mechanism: loss of function.

Submission:

Labcorp Genetics (formerly Invitae), Labcorp
Classification: Pathogenic for Familial cancer of breast; Fanconi anemia complementation group J. Last evaluated: 2018-05-01. Review status: criteria provided, single submitter. Criteria: Invitae Variant Classification Sherloc (09022015). Collection method: clinical testing. Allele origin: germline.
Comment: For these reasons, this variant has been classified as Pathogenic. Loss-of-function variants in BRIP1 are known to be pathogenic (PMID: 16116423, 17033622, 21964575). This variant has not been reported in the literature in individuals with BRIP1-related disease. This variant is not present in population databases (ExAC no frequency). This sequence change creates a premature translational stop signal (p.Thr121Argfs*11) in the BRIP1 gene. It is expected to result in an absent or disrupted protein product.

Literature cited by the submitters: PubMed 16116423; PubMed 17033622; PubMed 21964575.

NM_032043.3(BRIP1):c.358_361dup (p.Thr121fs)

Gene: BRIP1 (BRCA1 interacting DNA helicase 1; minus strand). Cytogenetic location: 17q23.2.
Variant type: Duplication.
Coding change: c.358_361dup on transcript NM_032043.3 (MANE Select); coding-DNA positions 358 to 361, 4 bases duplicated (GGCA; older notation c.358_361dupGGCA).
Protein change: p.Thr121fs; shifts the reading frame from threonine 121.
Molecular consequence: frameshift variant.
Genome position (GRCh38, 1-based): chr17:61,857,076-61,857,079, TGCC duplicated on the plus strand (GGCA on the coding strand, the reverse complement: BRIP1 is on the minus strand). VCF-style (leftmost placement, unchanged base first): chr17-61857075-G-GTGCC. GRCh37 (hg19) VCF-style: chr17-59934436-G-GTGCC.
Other names: c.358_361dupGGCA (NM_032043.2); short protein forms T121fs.
Identifiers: ClinVar variation 576984 (VCV000576984.7), dbSNP rs1567874485, ClinGen allele CA891844431.